The following is an entry in ClinVar:

NM_005708.5(GPC6):c.1510G>T (p.Asp504Tyr)

Gene: GPC6 (glypican 6; plus strand). Cytogenetic location: 13q32.1.
Variant type: single nucleotide variant.
Coding change: c.1510G>T on transcript NM_005708.5 (MANE Select); coding-DNA position 1510, G replaced by T.
Protein change: p.Asp504Tyr; replaces aspartic acid 504 with tyrosine.
Molecular consequence: missense variant.
Genome position (GRCh38, 1-based): chr13:94,403,059, G>T. VCF-style: chr13-94403059-G-T. GRCh37 (hg19) VCF-style: chr13-95055313-G-T.
Other names: short protein forms D504Y.
Identifiers: ClinVar variation 1992801 (VCV001992801.4), dbSNP rs1012906549, ClinGen allele CA254191399.

ClinVar aggregate classification (germline): Uncertain significance (1 of 4 stars; one submission).

Allele frequency attached by ClinVar (database versions not stated): TOPMed below 0.00001; gnomAD exomes 0.00001.
gnomAD v4.1: 15 of 1,613,914 alleles (0.00093%); highest among the groups gnomAD compares: Non-Finnish European, 0.0013%; no homozygotes.

Submission:

Labcorp Genetics (formerly Invitae), Labcorp
Classification: Uncertain significance. Last evaluated: 2023-05-22. Review status: criteria provided, single submitter. Criteria: Invitae Variant Classification Sherloc (09022015). Collection method: clinical testing. Allele origin: germline.
Comment: In summary, the available evidence is currently insufficient to determine the role of this variant in disease. Therefore, it has been classified as a Variant of Uncertain Significance. Advanced modeling of protein sequence and biophysical properties (such as structural, functional, and spatial information, amino acid conservation, physicochemical variation, residue mobility, and thermodynamic stability) performed at Invitae indicates that this missense variant is not expected to disrupt GPC6 protein function. ClinVar contains an entry for this variant (Variation ID: 1992801). This variant has not been reported in the literature in individuals affected with GPC6-related conditions. This variant is present in population databases (no rsID available, gnomAD 0.0009%). This sequence change replaces aspartic acid, which is acidic and polar, with tyrosine, which is neutral and polar, at codon 504 of the GPC6 protein (p.Asp504Tyr).